The following is an entry in ClinVar:

NM_004285.4(H6PD):c.916G>A (p.Gly306Ser)

Gene: H6PD (hexose-6-phosphate dehydrogenase/glucose 1-dehydrogenase; plus strand). Cytogenetic location: 1p36.22.
Variant type: single nucleotide variant.
Coding change: c.916G>A on transcript NM_004285.4 (MANE Select); coding-DNA position 916, G replaced by A.
Protein change: p.Gly306Ser; replaces glycine 306 with serine.
Molecular consequence: missense variant.
Genome position (GRCh38, 1-based): chr1:9,262,229, G>A. VCF-style: chr1-9262229-G-A. GRCh37 (hg19) VCF-style: chr1-9322288-G-A.
Other names: c.949G>A, p.Gly317Ser (NM_001282587.2); short protein forms G306S, G317S.
Identifiers: ClinVar variation 1923091 (VCV001923091.5), dbSNP rs771783790, ClinGen allele CA575123.
Genomic context (GRCh38, chr1:9,262,229, plus strand): 5'-GCGGAGGCTGTGCTGCGGCACAAGCTTCAGGTCTTCCAGGCGCTGCGGGGCCTGCAGAGG[G>A]GCAGTGCCGTCGTGGGCCAGTACCAGTCTTACAGTGAGCAGGTGCGCAGAGAGCTGCAGA-3'
Protein context (NP_004276.2, residues 296-316): VFQALRGLQR[Gly306Ser]SAVVGQYQSY

ClinVar aggregate classification (germline): Uncertain significance. Review status: criteria provided, multiple submitters, no conflicts (2 of 4 stars). 2 submissions from 2 submitters: Uncertain significance (2). Last evaluated 2025-08-07.

Conditions:
Inborn genetic diseases. Identifiers: MedGen C0950123, MeSH D030342.

Allele frequency attached by ClinVar (database versions not stated): ExAC 0.00003.

Submissions (2):

Ambry Genetics
Classification: Uncertain significance for Inborn genetic diseases. Last evaluated: 2025-08-07. Review status: criteria provided, single submitter. Criteria: Ambry Variant Classification Scheme 2023. Collection method: clinical testing. Allele origin: germline.

Labcorp Genetics (formerly Invitae), Labcorp
Classification: Uncertain significance. Last evaluated: 2022-08-21. Review status: criteria provided, single submitter. Criteria: Invitae Variant Classification Sherloc (09022015). Collection method: clinical testing. Allele origin: germline.
Comment: In summary, the available evidence is currently insufficient to determine the role of this variant in disease. Therefore, it has been classified as a Variant of Uncertain Significance. Algorithms developed to predict the effect of missense changes on protein structure and function output the following: SIFT: "Tolerated"; PolyPhen-2: "Benign"; Align-GVGD: "Class C0". The serine amino acid residue is found in multiple mammalian species, which suggests that this missense change does not adversely affect protein function. This variant is present in population databases (rs771783790, gnomAD 0.009%). This sequence change replaces glycine, which is neutral and non-polar, with serine, which is neutral and polar, at codon 306 of the H6PD protein (p.Gly306Ser). This variant has not been reported in the literature in individuals affected with H6PD-related conditions.